The following is an entry in ClinVar:

ClinVar aggregate classification (germline): Uncertain significance (1 of 4 stars; one submission).

Conditions:
Meckel-Gruber syndrome. Also called: DYSENCEPHALIA SPLANCHNOCYSTICA; GRUBER SYNDROME; Dysencephalia splachnocystica. Identifiers: Orphanet 564, MedGen C0265215, MONDO:0018921.
Joubert syndrome. Also called: CEREBELLOPARENCHYMAL DISORDER IV; JOUBERT-BOLTSHAUSER SYNDROME; Familial aplasia of the vermis. Identifiers: Orphanet 475, MedGen C5979921, MONDO:0018772.

Submission:

Labcorp Genetics (formerly Invitae), Labcorp
Classification: Uncertain significance for Joubert syndrome; Meckel-Gruber syndrome. Last evaluated: 2022-07-20. Review status: criteria provided, single submitter. Criteria: Invitae Variant Classification Sherloc (09022015). Collection method: clinical testing. Allele origin: germline.
Comment: This variant has not been reported in the literature in individuals affected with RPGRIP1L-related conditions. Algorithms developed to predict the effect of missense changes on protein structure and function are either unavailable or do not agree on the potential impact of this missense change (SIFT: "Tolerated"; PolyPhen-2: "Probably Damaging"; Align-GVGD: "Class C0"). In summary, the available evidence is currently insufficient to determine the role of this variant in disease. Therefore, it has been classified as a Variant of Uncertain Significance. This variant is not present in population databases (gnomAD no frequency). This sequence change replaces lysine, which is basic and polar, with threonine, which is neutral and polar, at codon 467 of the RPGRIP1L protein (p.Lys467Thr).

NM_015272.5(RPGRIP1L):c.1400A>C (p.Lys467Thr)

Gene: RPGRIP1L (RPGRIP1 like; minus strand). Cytogenetic location: 16q12.2.
Variant type: single nucleotide variant.
Coding change: c.1400A>C on transcript NM_015272.5 (MANE Select); coding-DNA position 1400, A replaced by C.
Protein change: p.Lys467Thr; replaces lysine 467 with threonine.
Molecular consequence: missense variant.
Genome position (GRCh38, 1-based): chr16:53,658,415, T>G on the plus strand (A>C on the coding strand, the complement: RPGRIP1L is on the minus strand). VCF-style: chr16-53658415-T-G. GRCh37 (hg19) VCF-style: chr16-53692327-T-G.
Other names: c.1400A>C, p.Lys467Thr (NM_001127897.4, NM_001308334.3, NM_001330538.2); short protein forms K467T.
Identifiers: ClinVar variation 1720805 (VCV001720805.6), dbSNP rs2544298990, ClinGen allele CA395919789.